The following is an entry in ClinVar:

ClinVar aggregate classification (germline): Uncertain significance (1 of 4 stars; one submission).

Conditions:
Long QT syndrome (LQTS). Identifiers: MedGen C0023976, MeSH D008133, MONDO:0002442. Disease mechanism: loss of function. Inheritance: Various modes of inheritance.

Submission:

Labcorp Genetics (formerly Invitae), Labcorp
Classification: Uncertain significance for Long QT syndrome. Last evaluated: 2024-12-04. Review status: criteria provided, single submitter. Criteria: Invitae Variant Classification Sherloc (09022015). Collection method: clinical testing. Allele origin: germline.
Comment: This sequence change replaces threonine, which is neutral and polar, with serine, which is neutral and polar, at codon 3653 of the ANK2 protein (p.Thr3653Ser). This variant is not present in population databases (gnomAD no frequency). This variant has not been reported in the literature in individuals affected with ANK2-related conditions. An algorithm developed to predict the effect of missense changes on protein structure and function outputs the following: PolyPhen-2: "Benign". The serine amino acid residue is found in multiple mammalian species, which suggests that this missense change does not adversely affect protein function. In summary, the available evidence is currently insufficient to determine the role of this variant in disease. Therefore, it has been classified as a Variant of Uncertain Significance.

NM_001148.6(ANK2):c.10957A>T (p.Thr3653Ser)

Gene: ANK2 (ankyrin 2; plus strand). Cytogenetic location: 4q26.
Variant type: single nucleotide variant.
Coding change: c.10957A>T on transcript NM_001148.6 (MANE Select); coding-DNA position 10957, A replaced by T.
Protein change: p.Thr3653Ser; replaces threonine 3653 with serine.
Molecular consequence: missense variant.
Genome position (GRCh38, 1-based): chr4:113,365,107, A>T. VCF-style: chr4-113365107-A-T. GRCh37 (hg19) VCF-style: chr4-114286263-A-T.
Other names: c.4675A>T, p.Thr1559Ser (NM_001127493.3); c.4714A>T, p.Thr1572Ser (NM_001354225.2); c.4603A>T, p.Thr1535Ser (NM_001354228.2, NM_001354258.2); c.4681A>T, p.Thr1561Ser (NM_001354230.2); c.4744A>T, p.Thr1582Ser (NM_001354231.2, NM_001354242.2); c.4738A>T, p.Thr1580Ser (NM_001354232.2); c.4699A>T, p.Thr1567Ser (NM_001354235.2, NM_001354246.2, NM_001354265.2); c.4600A>T, p.Thr1534Ser (NM_001354236.2); and 35 more; short protein forms T1495S, T1506S, T1516S, T1558S, T1563S, T1583S, T1587S, T368S.
Identifiers: ClinVar variation 3726609 (VCV003726609.2).